The following is an entry in ClinVar:

NM_004991.4(MECOM):c.1384G>T (p.Ala462Ser)

Gene: MECOM (MDS1 and EVI1 complex locus; minus strand). Cytogenetic location: 3q26.2.
Variant type: single nucleotide variant.
Coding change: c.1384G>T on transcript NM_004991.4 (MANE Select); coding-DNA position 1384, G replaced by T.
Protein change: p.Ala462Ser; replaces alanine 462 with serine.
Molecular consequence: missense variant. On other transcripts: intron variant (2).
Genome position (GRCh38, 1-based): chr3:169,116,488, C>A on the plus strand (G>T on the coding strand, the complement: MECOM is on the minus strand). VCF-style: chr3-169116488-C-A. GRCh37 (hg19) VCF-style: chr3-168834276-C-A.
Other names: c.1015G>T, p.Ala339Ser (NM_001105077.4); c.820G>T, p.Ala274Ser (NM_001105078.4, NM_001164000.2, NM_001205194.2 and 4 more transcripts); c.823G>T, p.Ala275Ser (NM_001163999.2, NM_001366467.2, NM_001366468.2 and 1 more transcripts); c.1384G>T, p.Ala462Ser (NM_001366466.2); c.1133-721G>T (NM_001366473.2); c.569-721G>T (NM_001366474.2); c.1384G>T (NM_004991.3); short protein forms A274S, A275S, A339S, A462S.
Identifiers: ClinVar variation 2433684 (VCV002433684.4), dbSNP rs756367370, ClinGen allele CA2696346.

ClinVar aggregate classification (germline): Uncertain significance. Review status: criteria provided, multiple submitters, no conflicts (2 of 4 stars). 2 submissions from 2 submitters: Uncertain significance (2). Last evaluated 2026-02-24.

Conditions:
Radioulnar synostosis with amegakaryocytic thrombocytopenia 2 (RUSAT2). Also called: RADIOULNAR SYNOSTOSIS AND AMEGAKARYOCYTIC THROMBOCYTOPENIA 2. Identifiers: Orphanet 71289, MedGen C4225221, MONDO:0014758, OMIM 616738.
Inborn genetic diseases. Identifiers: MedGen C0950123, MeSH D030342.

Allele frequency attached by ClinVar (database versions not stated): gnomAD exomes below 0.00001; ExAC 0.00001.
gnomAD v4.1: 5 of 1,614,186 alleles (0.00031%); highest among the groups gnomAD compares: South Asian, 0.0055%; no homozygotes.

Submissions (2):

Ambry Genetics
Classification: Uncertain significance for Inborn genetic diseases. Last evaluated: 2026-02-24. Review status: criteria provided, single submitter. Criteria: Ambry Variant Classification Scheme 2023. Collection method: clinical testing. Allele origin: germline.
Comment: The p.A462S variant (also known as c.1384G>T), located in coding exon 8 of the MECOM gene, results from a G to T substitution at nucleotide position 1384. The alanine at codon 462 is replaced by serine, an amino acid with similar properties. This amino acid position is conserved. In addition, this alteration is predicted to be tolerated by in silico analysis. Based on the available evidence, the clinical significance of this variant remains unclear.

Revvity Omics, Revvity
Classification: Uncertain significance for Radioulnar synostosis with amegakaryocytic thrombocytopenia 2. Last evaluated: 2020-12-08. Review status: criteria provided, single submitter. Criteria: ACMG Guidelines, 2015. Collection method: clinical testing. Allele origin: germline.